The following is an entry in ClinVar:

NM_004606.5(TAF1):c.294A>T (p.Glu98Asp)

Gene: TAF1 (TATA-box binding protein associated factor 1; plus strand). Cytogenetic location: Xq13.1.
Variant type: single nucleotide variant.
Coding change: c.294A>T on transcript NM_004606.5 (MANE Select); coding-DNA position 294, A replaced by T.
Protein change: p.Glu98Asp; replaces glutamic acid 98 with aspartic acid.
Molecular consequence: missense variant. On other transcripts: non-coding transcript variant (9).
Genome position (GRCh38, 1-based): chrX:71,368,112, A>T. VCF-style: chrX-71368112-A-T. GRCh37 (hg19) VCF-style: chrX-70587962-A-T.
Other names: c.294A>T, p.Glu98Asp (NM_001286074.2, NM_138923.4); short protein forms E98D.
Identifiers: ClinVar variation 3025754 (VCV003025754.22), dbSNP rs1346660316, ClinGen allele CA413505087.

ClinVar aggregate classification (germline): Uncertain significance (1 of 4 stars; one submission).

Allele frequency attached by ClinVar (database versions not stated): gnomAD exomes 0.00001; TOPMed 0.00001.
gnomAD v4.1: 3 of 1,212,283 alleles (0.00025%); highest among the groups gnomAD compares: Middle Eastern, 0.023%; no homozygotes.

Submission:

CeGaT Center for Human Genetics Tuebingen
Classification: Uncertain significance. Last evaluated: 2024-02-01. Review status: criteria provided, single submitter. Criteria: CeGaT Center For Human Genetics Tuebingen Variant Classification Criteria Version 2. Collection method: clinical testing. Allele origin: germline. Affected: yes. Observed: 1 variant allele.
Comment: TAF1: PM2